The following is an entry in ClinVar:

NM_016507.4(CDK12):c.1226C>T (p.Ala409Val)

Gene: CDK12 (cyclin dependent kinase 12; plus strand). Cytogenetic location: 17q12.
Variant type: single nucleotide variant.
Coding change: c.1226C>T on transcript NM_016507.4 (MANE Select); coding-DNA position 1226, C replaced by T.
Protein change: p.Ala409Val; replaces alanine 409 with valine.
Molecular consequence: missense variant.
Genome position (GRCh38, 1-based): chr17:39,471,058, C>T. VCF-style: chr17-39471058-C-T. GRCh37 (hg19) VCF-style: chr17-37627311-C-T.
Other names: c.1226C>T, p.Ala409Val (NM_015083.4); short protein forms A409V.
Identifiers: ClinVar variation 3999380 (VCV003999380.1).

ClinVar aggregate classification (germline): Uncertain significance (1 of 4 stars; one submission).

Submission:

Ambry Genetics
Classification: Uncertain significance. Last evaluated: 2025-04-20. Review status: criteria provided, single submitter. Criteria: Ambry Variant Classification Scheme 2023. Collection method: clinical testing. Allele origin: germline.
Comment: The p.A409V variant (also known as c.1226C>T), located in coding exon 2 of the CDK12 gene, results from a C to T substitution at nucleotide position 1226. The alanine at codon 409 is replaced by valine, an amino acid with similar properties. This amino acid position is conserved. In addition, this alteration is predicted to be tolerated by in silico analysis. Based on the available evidence, the clinical significance of this variant remains unclear.